The following is an entry in ClinVar:

ClinVar aggregate classification (germline): Uncertain significance (1 of 4 stars; one submission).

Conditions:
Charcot-Marie-Tooth disease, type I (CMT1). Also called: Charcot-Marie-Tooth disease type 1; Charcot-Marie-Tooth, Type 1. Identifiers: Orphanet 65753, MedGen C0751036, MONDO:0019011.

Submission:

Labcorp Genetics (formerly Invitae), Labcorp
Classification: Uncertain significance for Charcot-Marie-Tooth disease, type I. Last evaluated: 2021-03-01. Review status: criteria provided, single submitter. Criteria: Invitae Variant Classification Sherloc (09022015). Collection method: clinical testing. Allele origin: germline.
Comment: This variant disrupts the p.Asp109 amino acid residue in MPZ. Other variant(s) that disrupt this residue have been determined to be pathogenic (PMID: 14742601, 10545037, Invitae). This suggests that this residue is clinically significant, and that variants that disrupt this residue are likely to be disease-causing. This sequence change replaces aspartic acid with histidine at codon 109 of the MPZ protein (p.Asp109His). The aspartic acid residue is highly conserved and there is a moderate physicochemical difference between aspartic acid and histidine. This variant is not present in population databases (ExAC no frequency). This variant has been observed in individual(s) with Charcot-Marie-Tooth disease (Invitae). Algorithms developed to predict the effect of missense changes on protein structure and function (SIFT, PolyPhen-2, Align-GVGD) all suggest that this variant is likely to be disruptive, but these predictions have not been confirmed by published functional studies and their clinical significance is uncertain. In summary, the available evidence is currently insufficient to determine the role of this variant in disease. Therefore, it has been classified as a Variant of Uncertain Significance.

Literature cited by the submitters: PubMed 14742601; PubMed 10545037.

NM_000530.8(MPZ):c.325G>C (p.Asp109His)

Gene: MPZ (myelin protein zero; minus strand). Cytogenetic location: 1q23.3.
Variant type: single nucleotide variant.
Coding change: c.325G>C on transcript NM_000530.8 (MANE Select); coding-DNA position 325, G replaced by C.
Protein change: p.Asp109His; replaces aspartic acid 109 with histidine.
Molecular consequence: missense variant.
Genome position (GRCh38, 1-based): chr1:161,306,831, C>G on the plus strand (G>C on the coding strand, the complement: MPZ is on the minus strand). VCF-style: chr1-161306831-C-G. GRCh37 (hg19) VCF-style: chr1-161276621-C-G.
Other names: c.325G>C, p.Asp109His (NM_001315491.2); short protein forms D109H.
Identifiers: ClinVar variation 860734 (VCV000860734.9), dbSNP rs1060503420, ClinGen allele CA343349338.
Genomic context (GRCh38, chr1:161,306,831, plus strand): 5'-CGTCACAAGTGAACGTGCCATTGTCACTGTAGTCTAGGTTGTGTATGACAATGGAGCCAT[C>G]CTTCCAGCGAGGGTCCCCTACCCACTGGATGCGCTCTTTGAAGGTCCCCACCTCGTCAAT-3'
Protein context (NP_000521.2, residues 99-119): IQWVGDPRWK[Asp109His]GSIVIHNLDY